The following is an entry in ClinVar:

NM_012431.3(SEMA3E):c.1173C>T (p.Tyr391=)

Gene: SEMA3E (semaphorin 3E; minus strand). Cytogenetic location: 7q21.11.
Variant type: single nucleotide variant.
Coding change: c.1173C>T on transcript NM_012431.3 (MANE Select); coding-DNA position 1173, C replaced by T.
Protein change: p.Tyr391=; no amino-acid change (tyrosine 391 retained).
Molecular consequence: synonymous variant.
Genome position (GRCh38, 1-based): chr7:83,400,221, G>A on the plus strand (C>T on the coding strand, the complement: SEMA3E is on the minus strand). VCF-style: chr7-83400221-G-A. GRCh37 (hg19) VCF-style: chr7-83029537-G-A.
Other names: c.993C>T, p.Tyr331= (NM_001178129.2); c.1173C>T (NM_012431.2).
Identifiers: ClinVar variation 1582584 (VCV001582584.9), dbSNP rs370540865, ClinGen allele CA4322091.

ClinVar aggregate classification (germline): Likely benign. Review status: criteria provided, single submitter (1 of 4 stars). 2 submissions from 2 submitters: Likely benign (1). 1 of the submissions does not count toward it. Last evaluated 2025-02-19.

Conditions:
SEMA3E-related disorder. Also called: SEMA3E-related condition.
CHARGE syndrome (CHARGE). Also called: Coloboma, heart anomaly, choanal atresia, retardation, genital and ear anomalies; CHARGE association; Hall-Hittner syndrome; Hittner Hirsch Kreh syndrome; CHARGE ASSOCIATION--COLOBOMA, HEART ANOMALY, CHOANAL ATRESIA, RETARDATION, GENITAL AND EAR ANOMALIES. Identifiers: Orphanet 138, MedGen C0265354, MONDO:0008965.

Allele frequency attached by ClinVar (database versions not stated): ExAC 0.00003; gnomAD 0.00003 and 0.00004; TOPMed 0.00005; ESP Exome Variant Server 0.00008.
gnomAD v4.1: 26 of 1,613,706 alleles (0.0016%); highest among the groups gnomAD compares: African/African-American, 0.0053%; no homozygotes.

Submissions (2):

Labcorp Genetics (formerly Invitae), Labcorp
Classification: Likely benign for CHARGE syndrome. Last evaluated: 2025-02-19. Review status: criteria provided, single submitter. Criteria: Invitae Variant Classification Sherloc (09022015). Collection method: clinical testing. Allele origin: germline.

PreventionGenetics, part of Exact Sciences
Classification: Likely benign for SEMA3E-related condition. Last evaluated: 2022-02-28. Review status: no assertion criteria provided. Collection method: clinical testing. Allele origin: germline. Not counted in ClinVar's aggregate classification.
Comment: This variant is classified as likely benign based on ACMG/AMP sequence variant interpretation guidelines (Richards et al. 2015 PMID: 25741868, with internal and published modifications).